The following is an entry in ClinVar:

NM_022100.3(MRPS14):c.205-21dup

Gene: MRPS14 (mitochondrial ribosomal protein S14; minus strand). Cytogenetic location: 1q25.1.
Variant type: Duplication.
Coding change: c.205-21dup on transcript NM_022100.3 (MANE Select); 21 bases into the intron before coding-DNA position 205, one base duplicated (T; older notation c.205-21dupT).
Molecular consequence: intron variant.
Genome position (GRCh38, 1-based): chr1:175,014,872, A duplicated on the plus strand (T on the coding strand, the reverse complement: MRPS14 is on the minus strand). VCF-style (leftmost placement, unchanged base first): chr1-175014871-T-TA. GRCh37 (hg19) VCF-style: chr1-174984007-T-TA.
Identifiers: ClinVar variation 3363127 (VCV003363127.1).

ClinVar aggregate classification (germline): Uncertain significance (1 of 4 stars; one submission).

Conditions:
Combined oxidative phosphorylation deficiency 38. Identifiers: MedGen C5193064, MONDO:0032712, OMIM 618378.

Submission:

Genomic Medicine Center of Excellence, King Faisal Specialist Hospital and Research Centre
Classification: Uncertain significance for Combined oxidative phosphorylation deficiency 38. Last evaluated: 2024-10-13. Review status: criteria provided, single submitter. Criteria: ACMG Guidelines, 2015. Collection method: clinical testing. Allele origin: germline.
Comment: This variant (GRCh38; NM_022100.3:c.205-21dup) results in 1 nucleotide duplication in the intronic region of the MRPS14 gene. Not observed at significant frequency in large population cohorts. A literature search was performed for the gene and associated variants. Based on this search no publications were found. In summary, this variant meets our criteria for classification as of Unknown Clinical Significance based on the evidence outlined.